The following is an entry in ClinVar:

NM_172351.3(CD46):c.1108A>G (p.Arg370Gly)

Gene: CD46 (CD46 molecule; plus strand). Cytogenetic location: 1q32.2.
Variant type: single nucleotide variant.
Coding change: c.1108A>G on transcript NM_172351.3 (MANE Select); coding-DNA position 1108, A replaced by G.
Protein change: p.Arg370Gly; replaces arginine 370 with glycine.
Molecular consequence: missense variant. On other transcripts: intron variant (7).
Genome position (GRCh38, 1-based): chr1:207,790,278, A>G. VCF-style: chr1-207790278-A-G. GRCh37 (hg19) VCF-style: chr1-207963623-A-G.
Other names: c.1153A>G, p.Arg385Gly (NM_002389.4); c.1063A>G, p.Arg355Gly (NM_172352.3); c.1066A>G, p.Arg356Gly (NM_172355.3); c.1021A>G, p.Arg341Gly (NM_172357.3); c.1128-3241A>G (NM_172359.3); c.1083-3241A>G (NM_153826.4); c.1046-3241A>G (NM_172358.3); c.1041-3241A>G (NM_172356.3); and 3 more; short protein forms R341G, R355G, R356G, R370G, R385G.
Identifiers: ClinVar variation 2421423 (VCV002421423.7), dbSNP rs757404475, ClinGen allele CA1371906.

ClinVar aggregate classification (germline): Conflicting classifications of pathogenicity. Review status: criteria provided, conflicting classifications (1 of 4 stars). 2 submissions from 2 submitters: Uncertain significance (1); Likely benign (1). Last evaluated 2024-08-26.

Allele frequency attached by ClinVar (database versions not stated): gnomAD exomes 0.00001; ExAC 0.00002; gnomAD 0.00003; TOPMed 0.00006.
gnomAD v4.1: 14 of 1,597,192 alleles (0.00088%); highest among the groups gnomAD compares: African/African-American, 0.017%; no homozygotes.

Submissions (2):

Ambry Genetics
Classification: Likely benign. Last evaluated: 2024-08-26. Review status: criteria provided, single submitter. Criteria: Ambry Variant Classification Scheme 2023. Collection method: clinical testing. Allele origin: germline.

Labcorp Genetics (formerly Invitae), Labcorp
Classification: Uncertain significance. Last evaluated: 2022-05-10. Review status: criteria provided, single submitter. Criteria: Invitae Variant Classification Sherloc (09022015). Collection method: clinical testing. Allele origin: germline.
Comment: This sequence change replaces arginine, which is basic and polar, with glycine, which is neutral and non-polar, at codon 385 of the CD46 protein (p.Arg385Gly). This variant is present in population databases (rs757404475, gnomAD 0.02%). This variant has not been reported in the literature in individuals affected with CD46-related conditions. Algorithms developed to predict the effect of missense changes on protein structure and function (SIFT, PolyPhen-2, Align-GVGD) all suggest that this variant is likely to be tolerated. Algorithms developed to predict the effect of sequence changes on RNA splicing suggest that this variant may create or strengthen a splice site. In summary, the available evidence is currently insufficient to determine the role of this variant in disease. Therefore, it has been classified as a Variant of Uncertain Significance.